The following is an entry in ClinVar:

ClinVar aggregate classification (germline): Uncertain significance (1 of 4 stars; one submission).

Conditions:
Bethlem myopathy 2 (BTHLM2). Identifiers: Orphanet 536516, Orphanet 610, MedGen C4225313, MONDO:0034022, OMIM 616471.
Ullrich congenital muscular dystrophy 2 (UCMD2). Identifiers: Orphanet 75840, MedGen C4225314, MONDO:0014654, OMIM 616470.

gnomAD v4.1: 2 of 1,613,504 alleles (0.00012%); highest among the groups gnomAD compares: Admixed American, 0.0017%; no homozygotes.

Submission:

Labcorp Genetics (formerly Invitae), Labcorp
Classification: Uncertain significance for Bethlem myopathy 2; Ullrich congenital muscular dystrophy 2. Last evaluated: 2025-12-29. Review status: criteria provided, single submitter. Criteria: Invitae Variant Classification Sherloc (09022015). Collection method: clinical testing. Allele origin: germline.
Comment: This sequence change replaces proline, which is neutral and non-polar, with serine, which is neutral and polar, at codon 1111 of the COL12A1 protein (p.Pro1111Ser). This variant is present in population databases (no rsID available, gnomAD 0.003%). This variant has not been reported in the literature in individuals affected with COL12A1-related conditions. Invitae Evidence Modeling of protein sequence and biophysical properties (such as structural, functional, and spatial information, amino acid conservation, physicochemical variation, residue mobility, and thermodynamic stability) indicates that this missense variant is expected to disrupt COL12A1 protein function with a positive predictive value of 80%. In summary, the available evidence is currently insufficient to determine the role of this variant in disease. Therefore, it has been classified as a Variant of Uncertain Significance.

NM_004370.6(COL12A1):c.3331C>T (p.Pro1111Ser)

Gene: COL12A1 (collagen type XII alpha 1 chain; minus strand). Cytogenetic location: 6q13.
Variant type: single nucleotide variant.
Coding change: c.3331C>T on transcript NM_004370.6 (MANE Select); coding-DNA position 3331, C replaced by T.
Protein change: p.Pro1111Ser; replaces proline 1111 with serine.
Molecular consequence: missense variant. On other transcripts: intron variant (2).
Genome position (GRCh38, 1-based): chr6:75,155,774, G>A on the plus strand (C>T on the coding strand, the complement: COL12A1 is on the minus strand). VCF-style: chr6-75155774-G-A. GRCh37 (hg19) VCF-style: chr6-75865490-G-A.
Other names: c.3331C>T, p.Pro1111Ser (NM_001424113.1, NM_001424114.1); c.3058C>T, p.Pro1020Ser (NM_001424115.1); c.74-3292C>T (NM_001424116.1, NM_080645.3); short protein forms P1111S, P1020S.
Identifiers: ClinVar variation 4791729 (VCV004791729.1).